The following is an entry in ClinVar:

ClinVar aggregate classification (germline): Pathogenic (1 of 4 stars; one submission).

Conditions:
Peroxisome biogenesis disorder 3A (Zellweger). Also called: Peroxisome biogenesis disorder 3A; PEROXISOMAL BIOGENESIS DISORDER 3A (ZELLWEGER). Identifiers: Orphanet 912, MedGen C3553929, MONDO:0013927, OMIM 614859.

Submission:

Labcorp Genetics (formerly Invitae), Labcorp
Classification: Pathogenic for Peroxisome biogenesis disorder 3A (Zellweger). Last evaluated: 2022-05-14. Review status: criteria provided, single submitter. Criteria: Invitae Variant Classification Sherloc (09022015). Collection method: clinical testing. Allele origin: germline.
Comment: For these reasons, this variant has been classified as Pathogenic. This variant disrupts a region of the PEX12 protein in which other variant(s) (p.Gln349del) have been determined to be pathogenic (PMID: 15542397, 21031596, 33123925; Invitae). This suggests that this is a clinically significant region of the protein, and that variants that disrupt it are likely to be disease-causing. This variant has not been reported in the literature in individuals affected with PEX12-related conditions. This variant is not present in population databases (gnomAD no frequency). This sequence change creates a premature translational stop signal (p.Gly242Valfs*35) in the PEX12 gene. While this is not anticipated to result in nonsense mediated decay, it is expected to disrupt the last 118 amino acid(s) of the PEX12 protein.

Literature cited by the submitters: PubMed 15542397; PubMed 21031596; PubMed 33123925.

NM_000286.3(PEX12):c.725del (p.Gly242fs)

Gene: PEX12 (peroxisomal biogenesis factor 12; minus strand). Cytogenetic location: 17q12.
Variant type: Deletion.
Coding change: c.725del on transcript NM_000286.3 (MANE Select); coding-DNA position 725, one base deleted (G; older notation c.725delG).
Protein change: p.Gly242fs; shifts the reading frame from glycine 242.
Molecular consequence: frameshift variant.
Genome position (GRCh38, 1-based): chr17:35,576,137, C deleted on the plus strand (G on the coding strand, the reverse complement: PEX12 is on the minus strand); the first of 5 consecutive C bases (chr17:35,576,137-35,576,141); deleting any one gives the same sequence. VCF-style (leftmost placement, unchanged base first): chr17-35576136-AC-A. GRCh37 (hg19) VCF-style: chr17-33903155-AC-A.
Other names: short protein forms G242fs.
Identifiers: ClinVar variation 1994220 (VCV001994220.4), dbSNP rs2509168351, ClinGen allele CA2580093581.
Genomic context (GRCh38, chr17:35,576,136, plus strand): 5'-GTCAAGGAACTGCAAGAAGAATACACCCACAGAAAGGCCAGTAGACAGGGATAAGGCAAC[AC>A]CCCCAACAGCTTTCTTCAGAGCTGAGTTTATCTTCTCACTAACACTGTTGGGAGAAAAGA-3'